The following is an entry in ClinVar:

ClinVar aggregate classification (germline): Uncertain significance. Review status: criteria provided, multiple submitters, no conflicts (2 of 4 stars). 2 submissions from 2 submitters: Uncertain significance (2). Last evaluated 2025-03-15.

Conditions:
Hereditary cancer-predisposing syndrome. Also called: Hereditary Cancer Syndrome; Hereditary neoplastic syndrome; Neoplastic Syndromes, Hereditary; Tumor predisposition. Identifiers: Orphanet 140162, MedGen C0027672, MeSH D009386, MONDO:0015356.
Juvenile polyposis syndrome (JPS). Identifiers: Orphanet 2929, MedGen C0345893, MONDO:0017380, OMIM 174900.

Submissions (2):

Labcorp Genetics (formerly Invitae), Labcorp
Classification: Uncertain significance for Juvenile polyposis syndrome. Last evaluated: 2025-03-15. Review status: criteria provided, single submitter. Criteria: Invitae Variant Classification Sherloc (09022015). Collection method: clinical testing. Allele origin: germline.
Comment: This sequence change replaces proline, which is neutral and non-polar, with serine, which is neutral and polar, at codon 508 of the BMPR1A protein (p.Pro508Ser). This variant is not present in population databases (gnomAD no frequency). This variant has not been reported in the literature in individuals affected with BMPR1A-related conditions. ClinVar contains an entry for this variant (Variation ID: 3481218). Invitae Evidence Modeling of protein sequence and biophysical properties (such as structural, functional, and spatial information, amino acid conservation, physicochemical variation, residue mobility, and thermodynamic stability) has been performed for this missense variant. However, the output from this modeling did not meet the statistical confidence thresholds required to predict the impact of this variant on BMPR1A protein function. In summary, the available evidence is currently insufficient to determine the role of this variant in disease. Therefore, it has been classified as a Variant of Uncertain Significance.

Ambry Genetics
Classification: Uncertain significance for Hereditary cancer-predisposing syndrome. Last evaluated: 2024-07-16. Review status: criteria provided, single submitter. Criteria: Ambry Variant Classification Scheme 2023. Collection method: clinical testing. Allele origin: germline.
Comment: The p.P508S variant (also known as c.1522C>T), located in coding exon 11 of the BMPR1A gene, results from a C to T substitution at nucleotide position 1522. The proline at codon 508 is replaced by serine, an amino acid with similar properties. This amino acid position is highly conserved in available vertebrate species. In addition, this alteration is predicted to be deleterious by in silico analysis. Based on the available evidence, the clinical significance of this variant remains unclear.

NM_004329.3(BMPR1A):c.1522C>T (p.Pro508Ser)

Gene: BMPR1A (bone morphogenetic protein receptor type 1A; plus strand). Cytogenetic location: 10q23.2.
Variant type: single nucleotide variant.
Coding change: c.1522C>T on transcript NM_004329.3 (MANE Select); coding-DNA position 1522, C replaced by T.
Protein change: p.Pro508Ser; replaces proline 508 with serine.
Molecular consequence: missense variant. On other transcripts: non-coding transcript variant (3).
Genome position (GRCh38, 1-based): chr10:86,923,642, C>T. VCF-style: chr10-86923642-C-T. GRCh37 (hg19) VCF-style: chr10-88683399-C-T.
Other names: c.1522C>T, p.Pro508Ser (NM_001406573.1, NM_001406574.1, NM_001406575.1 and 19 more transcripts); c.1597C>T, p.Pro533Ser (NM_001406559.1); c.1570C>T, p.Pro524Ser (NM_001406560.1); c.1516C>T, p.Pro506Ser (NM_001406583.1); c.1438C>T, p.Pro480Ser (NM_001406584.1, NM_001406585.1, NM_001406586.1 and 2 more transcripts); c.1180C>T, p.Pro394Ser (NM_001406589.1); short protein forms P480S, P394S, P508S, P524S, P506S, P533S.
Identifiers: ClinVar variation 3481218 (VCV003481218.2).